The following is an entry in ClinVar:

ClinVar aggregate classification (germline): Likely benign. Review status: criteria provided, multiple submitters, no conflicts (2 of 4 stars). 3 submissions from 3 submitters: Likely benign (3). Last evaluated 2026-05-22.

Conditions:
RPGRIP1L-related disorder. Also called: RPGRIP1L-related disorders; RPGRIP1L-related condition. Identifiers: MedGen CN239416.
Meckel-Gruber syndrome. Also called: DYSENCEPHALIA SPLANCHNOCYSTICA; GRUBER SYNDROME; Dysencephalia splachnocystica. Identifiers: Orphanet 564, MedGen C0265215, MONDO:0018921.
Joubert syndrome. Also called: JOUBERT-BOLTSHAUSER SYNDROME; Familial aplasia of the vermis. Identifiers: Orphanet 475, MedGen C5979921, MONDO:0018772.

Allele frequency attached by ClinVar (database versions not stated): TOPMed below 0.00001; ExAC 0.00001; gnomAD exomes 0.00001; ESP Exome Variant Server 0.00015.
gnomAD v4.1: 5 of 1,613,910 alleles (0.00031%); highest among the groups gnomAD compares: Admixed American, 0.0017%; no homozygotes.

Submissions (3):

PreventionGenetics, part of Exact Sciences
Classification: Likely benign for RPGRIP1L-related condition. Last evaluated: 2026-05-22. Review status: criteria provided, single submitter. Criteria: ACMG Guidelines, 2015. Collection method: clinical testing. Allele origin: germline.
Comment: This variant is classified as likely benign based on ACMG/AMP sequence variant interpretation guidelines (Richards et al. 2015 PMID: 25741868, with internal and published modifications).

Labcorp Genetics (formerly Invitae), Labcorp
Classification: Likely benign for Joubert syndrome; Meckel-Gruber syndrome. Last evaluated: 2023-12-01. Review status: criteria provided, single submitter. Criteria: Invitae Variant Classification Sherloc (09022015). Collection method: clinical testing. Allele origin: germline.

GeneDx
Classification: Likely benign. Last evaluated: 2016-02-16. Review status: criteria provided, single submitter. Criteria: GeneDx Variant Classification (06012015). Collection method: clinical testing. Allele origin: germline. Affected: yes.
Comment: This variant is considered likely benign or benign based on one or more of the following criteria: it is a conservative change, it occurs at a poorly conserved position in the protein, it is predicted to be benign by multiple in silico algorithms, and/or has population frequency not consistent with disease.

NM_015272.5(RPGRIP1L):c.240C>G (p.Thr80=)

Gene: RPGRIP1L (RPGRIP1 like; minus strand). Cytogenetic location: 16q12.2.
Variant type: single nucleotide variant.
Coding change: c.240C>G on transcript NM_015272.5 (MANE Select); coding-DNA position 240, C replaced by G.
Protein change: p.Thr80=; no amino-acid change (threonine 80 retained).
Molecular consequence: synonymous variant.
Genome position (GRCh38, 1-based): chr16:53,692,355, G>C on the plus strand (C>G on the coding strand, the complement: RPGRIP1L is on the minus strand). VCF-style: chr16-53692355-G-C. GRCh37 (hg19) VCF-style: chr16-53726267-G-C.
Other names: c.240C>G, p.Thr80= (NM_001127897.4, NM_001308334.3, NM_001330538.2); c.240C>G (NM_015272.4).
Identifiers: ClinVar variation 383713 (VCV000383713.7), dbSNP rs368894452, ClinGen allele CA8058161.